The following is an entry in ClinVar:

ClinVar aggregate classification (germline): Pathogenic (1 of 4 stars; one submission).

Conditions:
Alstrom syndrome (ALMS). Identifiers: Orphanet 64, MedGen C0268425, MONDO:0008763, OMIM 203800.

Submission:

Labcorp Genetics (formerly Invitae), Labcorp
Classification: Pathogenic for Alstrom syndrome. Last evaluated: 2023-12-07. Review status: criteria provided, single submitter. Criteria: Invitae Variant Classification Sherloc (09022015). Collection method: clinical testing. Allele origin: germline.
Comment: This sequence change creates a premature translational stop signal (p.Glu67*) in the ALMS1 gene. It is expected to result in an absent or disrupted protein product. Loss-of-function variants in ALMS1 are known to be pathogenic (PMID: 17594715). This variant is not present in population databases (gnomAD no frequency). This variant has not been reported in the literature in individuals affected with ALMS1-related conditions. ClinVar contains an entry for this variant (Variation ID: 1075861). For these reasons, this variant has been classified as Pathogenic.

Literature cited by the submitters: PubMed 17594715.

NM_001378454.1(ALMS1):c.196G>T (p.Glu66Ter)

Gene: ALMS1 (ALMS1 centrosome and basal body associated protein; plus strand). Cytogenetic location: 2p13.1.
Variant type: single nucleotide variant.
Coding change: c.196G>T on transcript NM_001378454.1 (MANE Select); coding-DNA position 196, G replaced by T.
Protein change: p.Glu66Ter; replaces glutamic acid 66 with a stop codon.
Molecular consequence: nonsense.
Genome position (GRCh38, 1-based): chr2:73,386,064, G>T. VCF-style: chr2-73386064-G-T. GRCh37 (hg19) VCF-style: chr2-73613192-G-T.
Other names: c.199G>T, p.Glu67Ter (NM_015120.4); short protein forms E66*, E67*.
Identifiers: ClinVar variation 1075861 (VCV001075861.7), dbSNP rs1169223296, ClinGen allele CA347250807.